The following is an entry in ClinVar:

NM_001378454.1(ALMS1):c.2470G>A (p.Ala824Thr)

Gene: ALMS1 (ALMS1 centrosome and basal body associated protein; plus strand). Cytogenetic location: 2p13.1.
Variant type: single nucleotide variant.
Coding change: c.2470G>A on transcript NM_001378454.1 (MANE Select); coding-DNA position 2470, G replaced by A.
Protein change: p.Ala824Thr; replaces alanine 824 with threonine.
Molecular consequence: missense variant.
Genome position (GRCh38, 1-based): chr2:73,448,997, G>A. VCF-style: chr2-73448997-G-A. GRCh37 (hg19) VCF-style: chr2-73676124-G-A.
Other names: c.2473G>A, p.Ala825Thr (NM_015120.4); short protein forms A824T, A825T.
Identifiers: ClinVar variation 1791811 (VCV001791811.2), dbSNP rs1344053446, ClinGen allele CA347270209.

ClinVar aggregate classification (germline): Uncertain significance (1 of 4 stars; one submission).

Conditions:
Cardiovascular phenotype. Identifiers: MedGen CN230736.

Allele frequency attached by ClinVar (database versions not stated): TOPMed below 0.00001; gnomAD 0.00001.
gnomAD v4.1: 1 of 1,613,354 alleles (0.000062%); highest among the groups gnomAD compares: Non-Finnish European, 0.000085%; no homozygotes.

Submission:

Ambry Genetics
Classification: Uncertain significance for Cardiovascular phenotype. Last evaluated: 2020-09-02. Review status: criteria provided, single submitter. Criteria: Ambry Variant Classification Scheme 2023. Collection method: clinical testing. Allele origin: germline.
Comment: The p.A825T variant (also known as c.2473G>A), located in coding exon 8 of the ALMS1 gene, results from a G to A substitution at nucleotide position 2473. The alanine at codon 825 is replaced by threonine, an amino acid with similar properties. This amino acid position is poorly conserved in available vertebrate species. In addition, this alteration is predicted to be tolerated by in silico analysis. Since supporting evidence is limited at this time, the clinical significance of this alteration remains unclear.